The following is an entry in ClinVar:

NM_006648.4(WNK2):c.1445A>T (p.Asp482Val)

Gene: WNK2 (WNK lysine deficient protein kinase 2; plus strand). Cytogenetic location: 9q22.31.
Variant type: single nucleotide variant.
Coding change: c.1445A>T on transcript NM_006648.4 (MANE Select); coding-DNA position 1445, A replaced by T.
Protein change: p.Asp482Val; replaces aspartic acid 482 with valine.
Molecular consequence: missense variant.
Genome position (GRCh38, 1-based): chr9:93,239,879, A>T. VCF-style: chr9-93239879-A-T. GRCh37 (hg19) VCF-style: chr9-96002161-A-T.
Other names: c.1445A>T, p.Asp482Val (NM_001282394.3); short protein forms D482V.
Identifiers: ClinVar variation 3817272 (VCV003817272.1).

ClinVar aggregate classification (germline): Uncertain significance (1 of 4 stars; one submission).

Submission:

Ambry Genetics
Classification: Uncertain significance. Last evaluated: 2025-03-12. Review status: criteria provided, single submitter. Criteria: Ambry Variant Classification Scheme 2023. Collection method: clinical testing. Allele origin: germline.
Comment: The p.D482V variant (also known as c.1445A>T), located in coding exon 6 of the WNK2 gene, results from an A to T substitution at nucleotide position 1445. The aspartic acid at codon 482 is replaced by valine, an amino acid with highly dissimilar properties. This amino acid position is conserved. In addition, this alteration is predicted to be deleterious by in silico analysis. Based on the available evidence, the clinical significance of this variant remains unclear.